The following is an entry in ClinVar:

NM_025193.4(HSD3B7):c.226G>A (p.Ala76Thr)

Gene: HSD3B7 (hydroxy-delta-5-steroid dehydrogenase, 3 beta- and steroid delta-isomerase 7; plus strand). Cytogenetic location: 16p11.2.
Variant type: single nucleotide variant.
Coding change: c.226G>A on transcript NM_025193.4 (MANE Select); coding-DNA position 226, G replaced by A.
Protein change: p.Ala76Thr; replaces alanine 76 with threonine.
Molecular consequence: missense variant.
Genome position (GRCh38, 1-based): chr16:30,986,108, G>A. VCF-style: chr16-30986108-G-A. GRCh37 (hg19) VCF-style: chr16-30997429-G-A.
Other names: c.226G>A, p.Ala76Thr (NM_001142777.2, NM_001142778.2); c.226G>A (NM_025193.3); short protein forms A76T.
Identifiers: ClinVar variation 595962 (VCV000595962.39), dbSNP rs148706735, ClinGen allele CA8017930.
Genomic context (GRCh38, chr16:30,986,108, plus strand): 5'-GGGCCTGTGAGGGTGACTGCCATCCAGGGGGACGTGACCCAGGCCCATGAGGTGGCAGCA[G>A]CTGTGGCCGGAGCCCATGTGGTCATCCACACGGCTGGGCTGGTAGACGTGTTTGGCAGGG-3'
Protein context (NP_079469.2, residues 66-86): DVTQAHEVAA[Ala76Thr]VAGAHVVIHT

ClinVar aggregate classification (germline): Uncertain significance. Review status: criteria provided, multiple submitters, no conflicts (2 of 4 stars). 4 submissions from 4 submitters: Uncertain significance (3). 1 of the submissions does not count toward it. Last evaluated 2022-04-01.

Conditions:
HSD3B7-related disorder. Also called: HSD3B7-related condition.

Allele frequency attached by ClinVar (database versions not stated): gnomAD 0.00014; TOPMed 0.00017; ESP Exome Variant Server 0.00031.

Submissions (4):

CeGaT Center for Human Genetics Tuebingen
Classification: Uncertain significance. Last evaluated: 2022-04-01. Review status: criteria provided, single submitter. Criteria: CeGaT Center For Human Genetics Tuebingen Variant Classification Criteria Version 2. Collection method: clinical testing. Allele origin: germline. Affected: yes. Observed: 1 variant allele.
Comment: HSD3B7: PM2

Labcorp Genetics (formerly Invitae), Labcorp
Classification: Uncertain significance. Last evaluated: 2021-12-27. Review status: criteria provided, single submitter. Criteria: Invitae Variant Classification Sherloc (09022015). Collection method: clinical testing. Allele origin: germline.
Comment: In summary, the available evidence is currently insufficient to determine the role of this variant in disease. Therefore, it has been classified as a Variant of Uncertain Significance. Algorithms developed to predict the effect of missense changes on protein structure and function are either unavailable or do not agree on the potential impact of this missense change (SIFT: "Tolerated"; PolyPhen-2: "Probably Damaging"; Align-GVGD: "Class C0"). ClinVar contains an entry for this variant (Variation ID: 595962). This variant has not been reported in the literature in individuals affected with HSD3B7-related conditions. This variant is present in population databases (rs148706735, gnomAD 0.03%). This sequence change replaces alanine, which is neutral and non-polar, with threonine, which is neutral and polar, at codon 76 of the HSD3B7 protein (p.Ala76Thr).

Eurofins Ntd Llc (ga)
Classification: Uncertain significance. Last evaluated: 2018-02-01. Review status: criteria provided, single submitter. Criteria: EGL Classification Definitions 2015. Collection method: clinical testing. Allele origin: germline. Observed: 1 variant allele, 1 heterozygote.

PreventionGenetics, part of Exact Sciences
Classification: Uncertain significance for HSD3B7-related condition. Last evaluated: 2024-02-26. Review status: no assertion criteria provided. Collection method: clinical testing. Allele origin: germline. Not counted in ClinVar's aggregate classification.
Comment: The HSD3B7 c.226G>A variant is predicted to result in the amino acid substitution p.Ala76Thr. To our knowledge, this variant has not been reported in the literature. This variant is reported in 0.030% of alleles in individuals of European (Non-Finnish) descent in gnomAD. At this time, the clinical significance of this variant is uncertain due to the absence of conclusive functional and genetic evidence.